The following is an entry in ClinVar:

NM_001846.4(COL4A2):c.322dup (p.Arg108fs)

Gene: COL4A2 (collagen type IV alpha 2 chain; plus strand). Cytogenetic location: 13q34.
Variant type: Duplication.
Coding change: c.322dup on transcript NM_001846.4 (MANE Select); coding-DNA position 322, one base duplicated (A; older notation c.322dupA).
Protein change: p.Arg108fs; shifts the reading frame from arginine 108.
Molecular consequence: frameshift variant.
Genome position (GRCh38, 1-based): chr13:110,424,959, A duplicated; the last of 2 consecutive A bases (chr13:110,424,958-110,424,959); duplicating either gives the same sequence. VCF-style (leftmost placement, unchanged base first): chr13-110424957-C-CA. GRCh37 (hg19) VCF-style: chr13-111077304-C-CA.
Other names: short protein forms R108fs.
Identifiers: ClinVar variation 1704966 (VCV001704966.2), dbSNP rs2502050837, ClinGen allele CA2575454763.

ClinVar aggregate classification (germline): Uncertain significance (1 of 4 stars; one submission).

Submission:

GeneDx
Classification: Uncertain significance. Last evaluated: 2022-03-06. Review status: criteria provided, single submitter. Criteria: GeneDx Variant Classification Process June 2021. Collection method: clinical testing. Allele origin: germline. Affected: yes.
Comment: Not observed at significant frequency in large population cohorts (gnomAD); Frameshift variant predicted to result in protein truncation or nonsense-mediated decay in a gene for which loss-of-function is not a known mechanism of disease; Has not been previously published as pathogenic or benign to our knowledge